The following is an entry in ClinVar:

NM_001042492.3(NF1):c.862G>C (p.Val288Leu)

Gene: NF1 (neurofibromin 1; plus strand). Cytogenetic location: 17q11.2.
Variant type: single nucleotide variant.
Coding change: c.862G>C on transcript NM_001042492.3 (MANE Select); coding-DNA position 862, G replaced by C.
Protein change: p.Val288Leu; replaces valine 288 with leucine.
Molecular consequence: missense variant.
Genome position (GRCh38, 1-based): chr17:31,182,639, G>C. VCF-style: chr17-31182639-G-C. GRCh37 (hg19) VCF-style: chr17-29509657-G-C.
Other names: c.862G>C, p.Val288Leu (NM_000267.4, NM_001128147.3); short protein forms V288L.
Identifiers: ClinVar variation 2094880 (VCV002094880.4), dbSNP rs755670651, ClinGen allele CA398991180.

ClinVar aggregate classification (germline): Uncertain significance (1 of 4 stars; one submission).

Conditions:
Neurofibromatosis, type 1 (NF1). Also called: NEUROFIBROMATOSIS, TYPE I, SOMATIC; Neurofibromatosis, type I; Peripheral type neurofibromatosis; VON RECKLINGHAUSEN DISEASE. Identifiers: Orphanet 636, MedGen C0027831, MONDO:0018975, OMIM 162200. Disease mechanism: loss of function.

Submission:

Labcorp Genetics (formerly Invitae), Labcorp
Classification: Uncertain significance for Neurofibromatosis, type 1. Last evaluated: 2022-10-17. Review status: criteria provided, single submitter. Criteria: Invitae Variant Classification Sherloc (09022015). Collection method: clinical testing. Allele origin: germline.
Comment: In summary, the available evidence is currently insufficient to determine the role of this variant in disease. Therefore, it has been classified as a Variant of Uncertain Significance. Advanced modeling of protein sequence and biophysical properties (such as structural, functional, and spatial information, amino acid conservation, physicochemical variation, residue mobility, and thermodynamic stability) performed at Invitae indicates that this missense variant is not expected to disrupt NF1 protein function. This variant has not been reported in the literature in individuals affected with NF1-related conditions. This variant is not present in population databases (gnomAD no frequency). This sequence change replaces valine, which is neutral and non-polar, with leucine, which is neutral and non-polar, at codon 288 of the NF1 protein (p.Val288Leu).